The following is an entry in ClinVar:

ClinVar aggregate classification (germline): Likely pathogenic (1 of 4 stars; one submission).

Conditions:
Autosomal recessive limb-girdle muscular dystrophy type 2J (LGMDR10). Also called: Limb-girdle muscular dystrophy, type 2J; MUSCULAR DYSTROPHY, LIMB-GIRDLE, AUTOSOMAL RECESSIVE 10. Identifiers: Orphanet 140922, MedGen C1837342, MONDO:0012127, OMIM 608807.
Dilated cardiomyopathy 1G (CMD1G). Identifiers: Orphanet 154, MedGen C1858763, MONDO:0011400, OMIM 604145.

Submission:

Labcorp Genetics (formerly Invitae), Labcorp
Classification: Likely pathogenic for Dilated cardiomyopathy 1G; Autosomal recessive limb-girdle muscular dystrophy type 2J. Last evaluated: 2025-03-30. Review status: criteria provided, single submitter. Criteria: Invitae Variant Classification Sherloc (09022015). Collection method: clinical testing. Allele origin: germline.
Comment: This sequence change creates a premature translational stop signal (p.Ser22926Asnfs*16) in the TTN gene. While this is not anticipated to result in nonsense mediated decay, it is expected to create a truncated TTN protein. This variant is not present in population databases (gnomAD no frequency). This premature translational stop signal has been observed in individual(s) with dilated cardiomyopathy (internal data). This variant is located in the A band of TTN (PMID: 25589632). Truncating variants in this region are significantly overrepresented in patients affected with dilated cardiomyopathy (PMID: 25589632). Truncating variants in this region have also been reported in individuals affected with autosomal recessive centronuclear myopathy (PMID: 23975875). In summary, the currently available evidence indicates that the variant is pathogenic, but additional data are needed to prove that conclusively. Therefore, this variant has been classified as Likely Pathogenic.

Literature cited by the submitters: PubMed 25589632; PubMed 23975875.

NM_001267550.2(TTN):c.68773_68776dup (p.Ser22926fs)

Genes: TTN (titin; minus strand), TTN-AS1 (TTN antisense RNA 1; plus strand). Cytogenetic location: 2q31.2.
Variant type: Duplication.
Coding change: c.68773_68776dup on transcript NM_001267550.2 (MANE Select); coding-DNA positions 68773 to 68776, 4 bases duplicated (ATCA; older notation c.68773_68776dupATCA).
Protein change: p.Ser22926fs; shifts the reading frame from serine 22926.
Molecular consequence: frameshift variant.
Genome position (GRCh38, 1-based): chr2:178,577,650-178,577,653, TGAT duplicated on the plus strand (ATCA on the coding strand, the reverse complement: TTN is on the minus strand). VCF-style (leftmost placement, unchanged base first): chr2-178577649-C-CTGAT. GRCh37 (hg19) VCF-style: chr2-179442376-C-CTGAT.
Other names: c.63850_63853dup, p.Ser21285fs (NM_001256850.1); c.41578_41581dup, p.Ser13861fs (NM_003319.4); c.61069_61072dup, p.Ser20358fs (NM_133378.4); c.41953_41956dup, p.Ser13986fs (NM_133432.3); c.42154_42157dup, p.Ser14053fs (NM_133437.4); short protein forms S13861fs, S13986fs, S14053fs, S20358fs, S21285fs, S22926fs.
Identifiers: ClinVar variation 3753182 (VCV003753182.2).